The following is an entry in ClinVar:

NM_032043.3(BRIP1):c.2258-7_2258-5del

Gene: BRIP1 (BRCA1 interacting DNA helicase 1; minus strand). Cytogenetic location: 17q23.2.
Variant type: Microsatellite.
Coding change: c.2258-7_2258-5del on transcript NM_032043.3 (MANE Select); 7 bases into the intron before coding-DNA position 2258 through 5 bases into the intron before coding-DNA position 2258, 3 bases deleted (GTT; older notation c.2258-7_2258-5delGTT).
Molecular consequence: intron variant.
Genome position (GRCh38, 1-based): chr17:61,743,139-61,743,141, AAC deleted on the plus strand (GTT on the coding strand, the reverse complement: BRIP1 is on the minus strand); deleting any 3 consecutive bases within chr17:61,743,139-61,743,145 gives the same sequence; the c. name uses the placement nearest the transcript's 3' end. VCF-style (leftmost placement, unchanged base first): chr17-61743138-AAAC-A. GRCh37 (hg19) VCF-style: chr17-59820499-AAAC-A.
Identifiers: ClinVar variation 2942681 (VCV002942681.4), dbSNP rs2544828233, ClinGen allele CA2740093849.

ClinVar aggregate classification (germline): Likely benign. Review status: criteria provided, multiple submitters, no conflicts (2 of 4 stars). 2 submissions from 2 submitters: Likely benign (2). Last evaluated 2024-09-04.

Conditions:
Familial cancer of breast. Also called: BREAST CANCER, FAMILIAL; Hereditary breast cancer; hereditary breast carcinoma. Identifiers: Orphanet 227535, MedGen C0346153, MONDO:0016419, OMIM 114480. Disease mechanism: loss of function.
Fanconi anemia complementation group J. Also called: BRIP1-Related Fanconi Anemia. Identifiers: Orphanet 84, MedGen C1836860, MONDO:0012187, OMIM 609054.

Submissions (2):

Myriad Genetics, Inc.
Classification: Likely benign for Familial cancer of breast. Last evaluated: 2024-09-04. Review status: criteria provided, single submitter. Criteria: Myriad Autosomal Dominant, Autosomal Recessive and X-Linked Classification Criteria (2023). Collection method: clinical testing. Allele origin: unknown.
Comment: This variant is considered likely benign. This variant is intronic and is not expected to impact mRNA splicing.

Labcorp Genetics (formerly Invitae), Labcorp
Classification: Likely benign for Familial cancer of breast; Fanconi anemia complementation group J. Last evaluated: 2022-12-27. Review status: criteria provided, single submitter. Criteria: Invitae Variant Classification Sherloc (09022015). Collection method: clinical testing. Allele origin: germline.